The following is an entry in ClinVar:

NM_001376.5(DYNC1H1):c.13875A>G (p.Glu4625=)

Gene: DYNC1H1 (dynein cytoplasmic 1 heavy chain 1; plus strand). Cytogenetic location: 14q32.31.
Variant type: single nucleotide variant.
Coding change: c.13875A>G on transcript NM_001376.5 (MANE Select); coding-DNA position 13875, A replaced by G.
Protein change: p.Glu4625=; no amino-acid change (glutamic acid 4625 retained).
Molecular consequence: synonymous variant.
Genome position (GRCh38, 1-based): chr14:102,050,497, A>G. VCF-style: chr14-102050497-A-G. GRCh37 (hg19) VCF-style: chr14-102516834-A-G.
Identifiers: ClinVar variation 511099 (VCV000511099.3), dbSNP rs1555412799, ClinGen allele CA487969814.

ClinVar aggregate classification (germline): Likely benign. Review status: criteria provided, multiple submitters, no conflicts (2 of 4 stars). 2 submissions from 2 submitters: Likely benign (2). Last evaluated 2019-07-11.

Conditions:
Inborn genetic diseases. Identifiers: MedGen C0950123, MeSH D030342.

Submissions (2):

Ambry Genetics
Classification: Likely benign for Inborn genetic diseases. Last evaluated: 2019-07-11. Review status: criteria provided, single submitter. Criteria: Ambry Variant Classification Scheme 2023. Collection method: clinical testing. Allele origin: germline.

GeneDx
Classification: Likely benign. Last evaluated: 2017-07-31. Review status: criteria provided, single submitter. Criteria: GeneDx Variant Classification (06012015). Collection method: clinical testing. Allele origin: germline. Affected: yes.
Comment: This variant is considered likely benign or benign based on one or more of the following criteria: it is a conservative change, it occurs at a poorly conserved position in the protein, it is predicted to be benign by multiple in silico algorithms, and/or has population frequency not consistent with disease.